The following is an entry in ClinVar:

ClinVar aggregate classification (germline): Uncertain significance. Review status: criteria provided, multiple submitters, no conflicts (2 of 4 stars). 5 submissions from 5 submitters: Uncertain significance (5). Last evaluated 2025-09-08.

Conditions:
Familial adenomatous polyposis 1 (FAP1). Also called: FAMILIAL ADENOMATOUS POLYPOSIS 1, ATTENUATED; POLYPOSIS, ADENOMATOUS INTESTINAL. Identifiers: MedGen C2713442, MONDO:0021056, OMIM 175100. Disease mechanism: loss of function.
Hereditary cancer-predisposing syndrome. Also called: Tumor predisposition; Hereditary Cancer Syndrome; Hereditary neoplastic syndrome; Neoplastic Syndromes, Hereditary. Identifiers: Orphanet 140162, MedGen C0027672, MeSH D009386, MONDO:0015356.
Classic or attenuated familial adenomatous polyposis. Identifiers: MedGen CN372698, MONDO:0021057.

Submissions (5):

Ambry Genetics
Classification: Uncertain significance for Hereditary cancer-predisposing syndrome. Last evaluated: 2025-09-08. Review status: criteria provided, single submitter. Criteria: Ambry Variant Classification Scheme 2023. Collection method: clinical testing. Allele origin: germline.
Comment: The p.I983N variant (also known as c.2948T>A), located in coding exon 15 of the APC gene, results from a T to A substitution at nucleotide position 2948. The isoleucine at codon 983 is replaced by asparagine, an amino acid with dissimilar properties. This alteration has been reported in 1/1197 individuals from Greece, Romania, and Turkey undergoing evaluation for inherited cancer predisposition (Tsaousis GN et al. BMC Cancer, 2019 Jun;19:535). Missense alterations in APC are not a common cause of disease (Spier I et al. Genet Med. 2024 Feb;26(2):100992). This amino acid position is not well conserved in available vertebrate species. In addition, in silico predictors for this gene do not accurately predict pathogenicity. Based on the available evidence, the clinical significance of this variant remains unclear.

Labcorp Genetics (formerly Invitae), Labcorp
Classification: Uncertain significance for Familial adenomatous polyposis 1. Last evaluated: 2024-08-07. Review status: criteria provided, single submitter. Criteria: Invitae Variant Classification Sherloc (09022015). Collection method: clinical testing. Allele origin: germline.
Comment: This sequence change replaces isoleucine, which is neutral and non-polar, with asparagine, which is neutral and polar, at codon 983 of the APC protein (p.Ile983Asn). This variant is not present in population databases (gnomAD no frequency). This missense change has been observed in individual(s) with personal and/or family history of breast and/or ovarian cancer (PMID: 31159747). ClinVar contains an entry for this variant (Variation ID: 411496). Advanced modeling of protein sequence and biophysical properties (such as structural, functional, and spatial information, amino acid conservation, physicochemical variation, residue mobility, and thermodynamic stability) performed at Invitae indicates that this missense variant is not expected to disrupt APC protein function with a negative predictive value of 95%. In summary, the available evidence is currently insufficient to determine the role of this variant in disease. Therefore, it has been classified as a Variant of Uncertain Significance.

All of Us Research Program, National Institutes of Health
Classification: Uncertain significance for Classic or attenuated familial adenomatous polyposis. Last evaluated: 2024-02-05. Review status: criteria provided, single submitter. Criteria: ACMG Guidelines, 2015. Collection method: clinical testing. Allele origin: germline. Inheritance: Autosomal dominant inheritance. Observed: 1 variant allele, 1 heterozygote.
Comment: This missense variant replaces isoleucine with asparagine at codon 983 of the APC protein. Computational prediction suggests that this variant may not impact protein structure and function (internally defined REVEL score threshold <= 0.5, PMID: 27666373). Splice site prediction tools suggest that this variant may not impact RNA splicing. To our knowledge, functional studies have not been performed for this variant. This variant has been reported in an individual affected with hereditary cancer (PMID: 31159747). This variant has not been identified in the general population by the Genome Aggregation Database (gnomAD). The available evidence is insufficient to determine the role of this variant in disease conclusively. Therefore, this variant is classified as a Variant of Uncertain Significance.

This study involves interpretation of variants in research participants for the purpose of population health screening. Participant phenotype was not available at the time of variant classification. Additional details can be found in publication PMID: 35346344, PMCID: PMC8962531

Color Diagnostics, LLC DBA Color Health
Classification: Uncertain significance for Hereditary cancer-predisposing syndrome. Last evaluated: 2023-06-27. Review status: criteria provided, single submitter. Criteria: ACMG Guidelines, 2015. Collection method: clinical testing. Allele origin: germline.
Comment: This missense variant replaces isoleucine with asparagine at codon 983 of the APC protein. Computational prediction suggests that this variant may not impact protein structure and function (internally defined REVEL score threshold <= 0.5, PMID: 27666373). To our knowledge, functional studies have not been performed for this variant. This variant has been reported in an individual affected with an unspecified hereditary cancer (PMID: 31159747). This variant has not been identified in the general population by the Genome Aggregation Database (gnomAD). The available evidence is insufficient to determine the role of this variant in disease conclusively. Therefore, this variant is classified as a Variant of Uncertain Significance.

GeneKor MSA
Classification: Uncertain significance for Hereditary cancer-predisposing syndrome. Last evaluated: 2018-08-01. Review status: criteria provided, single submitter. Criteria: ACMG Guidelines, 2015. Collection method: clinical testing. Allele origin: germline. Affected: yes.

Literature cited by the submitters: PubMed 31159747 (cited by 4 submitters).

NM_000038.6(APC):c.2948T>A (p.Ile983Asn)

Gene: APC (APC regulator of Wnt signaling pathway; plus strand). Cytogenetic location: 5q22.2.
Variant type: single nucleotide variant.
Coding change: c.2948T>A on transcript NM_000038.6 (MANE Select); coding-DNA position 2948, T replaced by A.
Protein change: p.Ile983Asn; replaces isoleucine 983 with asparagine.
Molecular consequence: missense variant.
Genome position (GRCh38, 1-based): chr5:112,838,542, T>A. VCF-style: chr5-112838542-T-A. GRCh37 (hg19) VCF-style: chr5-112174239-T-A.
Other names: c.2948T>A, p.Ile983Asn (NM_001127510.3, NM_001354895.2); c.2894T>A, p.Ile965Asn (NM_001127511.3); c.3002T>A, p.Ile1001Asn (NM_001354896.2); c.2978T>A, p.Ile993Asn (NM_001354897.2); c.2873T>A, p.Ile958Asn (NM_001354898.2); c.2864T>A, p.Ile955Asn (NM_001354899.2); c.2825T>A, p.Ile942Asn (NM_001354900.2); c.2771T>A, p.Ile924Asn (NM_001354901.2); and 5 more; short protein forms I965N, I983N, I857N, I1001N, I823N, I700N, I882N, I892N.
Identifiers: ClinVar variation 411496 (VCV000411496.23), dbSNP rs113674464, ClinGen allele CA16027771.
Genomic context (GRCh38, chr5:112,838,542, plus strand): 5'-GTTTAAATAGTGTCAGTAGTAGTGATGGTTATGGTAAAAGAGGTCAAATGAAACCCTCGA[T>A]TGAATCCTATTCTGAAGATGATGAAAGTAAGTTTTGCAGTTATGGTCAATACCCAGCCGA-3'
Protein context (NP_000029.2, residues 973-993): YGKRGQMKPS[Ile983Asn]ESYSEDDESK